The following is an entry in ClinVar:

NM_177986.5(DSG4):c.865C>T (p.Arg289Ter)

Genes: DSG1-AS1 (DSG1 antisense RNA 1; minus strand), DSG4 (desmoglein 4; plus strand). Cytogenetic location: 18q12.1.
Variant type: single nucleotide variant.
Coding change: c.865C>T on transcript NM_177986.5 (MANE Select); coding-DNA position 865, C replaced by T.
Protein change: p.Arg289Ter; replaces arginine 289 with a stop codon.
Molecular consequence: nonsense.
Genome position (GRCh38, 1-based): chr18:31,392,200, C>T. VCF-style: chr18-31392200-C-T. GRCh37 (hg19) VCF-style: chr18-28972163-C-T.
Other names: c.865C>T, p.Arg289Ter (NM_001134453.3); short protein forms R289*.
Identifiers: ClinVar variation 2726 (VCV000002726.5), dbSNP rs267606777, ClinGen allele CA115722.

ClinVar aggregate classification (germline): Likely pathogenic. Review status: criteria provided, multiple submitters, no conflicts (2 of 4 stars). 3 submissions from 3 submitters: Likely pathogenic (2). 1 of the submissions does not count toward it. Last evaluated 2023-01-12.

Conditions:
Hypotrichosis 6 (HYPT6). Also called: HYPOTRICHOSIS, LOCALIZED, AUTOSOMAL RECESSIVE 1; MONILETHRIX-LIKE HYPOTRICHOSIS. Identifiers: Orphanet 55654, MedGen C1842839, MONDO:0011932, OMIM 607903.

Allele frequency attached by ClinVar (database versions not stated): gnomAD exomes 0.00002; TOPMed 0.00002; gnomAD 0.00003.

Submissions (3):

Department of Pathology and Laboratory Medicine, Sinai Health System
Classification: Likely pathogenic for hypotrichosis 6. Last evaluated: 2023-01-12. Review status: criteria provided, single submitter. Criteria: ACMG Guidelines, 2015. Collection method: research. Allele origin: germline.

Juno Genomics, Hangzhou Juno Genomics, Inc
Classification: Likely pathogenic for Hypotrichosis 6. Review status: criteria provided, single submitter. Criteria: ACMG Guidelines, 2015. Collection method: clinical testing. Allele origin: germline.
Comment: Absent from controls (or at extremely low frequency if recessive) in Genome Aggregation Database.;Null variant in a gene where loss of function (LOF) is a known mechanism of disease.

OMIM
Classification: Pathogenic for HYPOTRICHOSIS 6. Last evaluated: 2006-06-01. Review status: no assertion criteria provided. Collection method: literature only. Allele origin: germline. Not counted in ClinVar's aggregate classification.

Literature cited by the submitters: PubMed 16575393 (cited by OMIM).